The following is an entry in ClinVar:

ClinVar aggregate classification (germline): Uncertain significance (1 of 4 stars; one submission).

Conditions:
Ataxia-telangiectasia syndrome (AT). Also called: ATAXIA-TELANGIECTASIA, COMPLEMENTATION GROUP A; ATAXIA-TELANGIECTASIA, FRESNO VARIANT; Ataxia-telangiectasia; Ataxia-telangiectasia, complementation group E; Ataxia telangiectasia (A-T); LOUIS-BAR SYNDROME. Identifiers: Orphanet 100, MedGen C0004135, MONDO:0008840, OMIM 208900.

Submission:

Labcorp Genetics (formerly Invitae), Labcorp
Classification: Uncertain significance for Ataxia-telangiectasia syndrome. Last evaluated: 2025-05-26. Review status: criteria provided, single submitter. Criteria: Invitae Variant Classification Sherloc (09022015). Collection method: clinical testing. Allele origin: germline.
Comment: This sequence change replaces alanine, which is neutral and non-polar, with threonine, which is neutral and polar, at codon 1090 of the ATM protein (p.Ala1090Thr). This variant is not present in population databases (gnomAD no frequency). This variant has not been reported in the literature in individuals affected with ATM-related conditions. ClinVar contains an entry for this variant (Variation ID: 3720447). Invitae Evidence Modeling of protein sequence and biophysical properties (such as structural, functional, and spatial information, amino acid conservation, physicochemical variation, residue mobility, and thermodynamic stability) indicates that this missense variant is not expected to disrupt ATM protein function with a negative predictive value of 95%. In summary, the available evidence is currently insufficient to determine the role of this variant in disease. Therefore, it has been classified as a Variant of Uncertain Significance.

NM_000051.4(ATM):c.3268G>A (p.Ala1090Thr)

Gene: ATM (ATM serine/threonine kinase; plus strand). Cytogenetic location: 11q22.3.
Variant type: single nucleotide variant.
Coding change: c.3268G>A on transcript NM_000051.4 (MANE Select); coding-DNA position 3268, G replaced by A.
Protein change: p.Ala1090Thr; replaces alanine 1090 with threonine.
Molecular consequence: missense variant.
Genome position (GRCh38, 1-based): chr11:108,272,836, G>A. VCF-style: chr11-108272836-G-A. GRCh37 (hg19) VCF-style: chr11-108143563-G-A.
Other names: c.3268G>A, p.Ala1090Thr (NM_001351834.2); short protein forms A1090T.
Identifiers: ClinVar variation 3720447 (VCV003720447.2).